The following is an entry in ClinVar:

ClinVar aggregate classification (germline): Uncertain significance (1 of 4 stars; one submission).

gnomAD v4.1: 2 of 1,612,774 alleles (0.00012%); highest among the groups gnomAD compares: African/African-American, 0.0013%; no homozygotes.

Submission:

Dasa
Classification: Uncertain significance. Last evaluated: 2025-07-09. Review status: criteria provided, single submitter. Criteria: DASA Assertion Criteria. Collection method: clinical testing. Allele origin: germline.
Comment: NM_006766.5(KAT6A):c.4756A>G (p.Ser1586Gly) is a missense variant that results in the substitution of serine with glycine. This variant is rare in population databases. Computational prediction algorithms are consistent with a benign effect. The currently available literature and clinical evidence are not sufficient to establish a definitive association between this variant and the reported condition. Therefore, this variant is classified as a variant of uncertain significance.

NM_006766.5(KAT6A):c.4756A>G (p.Ser1586Gly)

Gene: KAT6A (lysine acetyltransferase 6A; minus strand). Cytogenetic location: 8p11.21.
Variant type: single nucleotide variant.
Coding change: c.4756A>G on transcript NM_006766.5 (MANE Select); coding-DNA position 4756, A replaced by G.
Protein change: p.Ser1586Gly; replaces serine 1586 with glycine.
Molecular consequence: missense variant.
Genome position (GRCh38, 1-based): chr8:41,933,464, T>C on the plus strand (A>G on the coding strand, the complement: KAT6A is on the minus strand). VCF-style: chr8-41933464-T-C. GRCh37 (hg19) VCF-style: chr8-41790982-T-C.
Other names: short protein forms S1586G.
Identifiers: ClinVar variation 4881399 (VCV004881399.2).